The following is an entry in ClinVar:

ClinVar aggregate classification (germline): Uncertain significance (1 of 4 stars; one submission).

Conditions:
Cardiovascular phenotype. Identifiers: MedGen CN230736.

Submission:

Ambry Genetics
Classification: Uncertain significance for Cardiovascular phenotype. Last evaluated: 2025-09-04. Review status: criteria provided, single submitter. Criteria: Ambry Variant Classification Scheme 2023. Collection method: clinical testing. Allele origin: germline.
Comment: The p.Y242H variant (also known as c.724T>C), located in coding exon 6 of the MAT2A gene, results from a T to C substitution at nucleotide position 724. The tyrosine at codon 242 is replaced by histidine, an amino acid with similar properties. This amino acid position is conserved. In addition, this alteration is predicted to be deleterious by in silico analysis. Based on the available evidence, the clinical significance of this variant remains unclear.

NM_005911.6(MAT2A):c.724T>C (p.Tyr242His)

Genes: GGCX (gamma-glutamyl carboxylase; minus strand), MAT2A (methionine adenosyltransferase 2A; plus strand). Cytogenetic location: 2p11.2.
Variant type: single nucleotide variant.
Coding change: c.724T>C on transcript NM_005911.6 (MANE Select); coding-DNA position 724, T replaced by C.
Protein change: p.Tyr242His; replaces tyrosine 242 with histidine.
Molecular consequence: missense variant.
Genome position (GRCh38, 1-based): chr2:85,542,329, T>C. VCF-style: chr2-85542329-T-C. GRCh37 (hg19) VCF-style: chr2-85769452-T-C.
Other names: short protein forms Y242H.
Identifiers: ClinVar variation 4104414 (VCV004104414.1).